The following is an entry in ClinVar:

NM_002546.4(TNFRSF11B):c.987_988del (p.Ser330fs)

Gene: TNFRSF11B (TNF receptor superfamily member 11b; minus strand). Cytogenetic location: 8q24.12.
Variant type: Deletion.
Coding change: c.987_988del on transcript NM_002546.4 (MANE Select); coding-DNA positions 987 to 988, 2 bases deleted (CA; older notation c.987_988delCA).
Protein change: p.Ser330fs; shifts the reading frame from serine 330.
Molecular consequence: frameshift variant.
Genome position (GRCh38, 1-based): chr8:118,924,592-118,924,593, TG deleted on the plus strand (CA on the coding strand, the reverse complement: TNFRSF11B is on the minus strand). VCF-style (leftmost placement, unchanged base first): chr8-118924591-CTG-C. GRCh37 (hg19) VCF-style: chr8-119936830-CTG-C.
Other names: short protein forms S330fs.
Identifiers: ClinVar variation 3657448 (VCV003657448.2).

ClinVar aggregate classification (germline): Uncertain significance (1 of 4 stars; one submission).

Submission:

Labcorp Genetics (formerly Invitae), Labcorp
Classification: Uncertain significance. Last evaluated: 2024-12-05. Review status: criteria provided, single submitter. Criteria: Invitae Variant Classification Sherloc (09022015). Collection method: clinical testing. Allele origin: germline.
Comment: This sequence change creates a premature translational stop signal (p.Ser330Phefs*61) in the TNFRSF11B gene. While this is not anticipated to result in nonsense mediated decay, it is expected to disrupt the last 72 amino acid(s) of the TNFRSF11B protein. This variant is not present in population databases (gnomAD no frequency). This variant has not been reported in the literature in individuals affected with TNFRSF11B-related conditions. Experimental studies and prediction algorithms are not available or were not evaluated, and the functional significance of this variant is currently unknown. In summary, the available evidence is currently insufficient to determine the role of this variant in disease. Therefore, it has been classified as a Variant of Uncertain Significance.